The following is an entry in ClinVar:

NM_024408.4(NOTCH2):c.7126T>C (p.Phe2376Leu)

Gene: NOTCH2 (notch receptor 2; minus strand). Cytogenetic location: 1p12.
Variant type: single nucleotide variant.
Coding change: c.7126T>C on transcript NM_024408.4 (MANE Select); coding-DNA position 7126, T replaced by C.
Protein change: p.Phe2376Leu; replaces phenylalanine 2376 with leucine.
Molecular consequence: missense variant.
Genome position (GRCh38, 1-based): chr1:119,915,596, A>G on the plus strand (T>C on the coding strand, the complement: NOTCH2 is on the minus strand). VCF-style: chr1-119915596-A-G. GRCh37 (hg19) VCF-style: chr1-120458219-A-G.
Other names: short protein forms F2376L.
Identifiers: ClinVar variation 2138836 (VCV002138836.4), dbSNP rs2526103454, ClinGen allele CA341873261.

ClinVar aggregate classification (germline): Uncertain significance (1 of 4 stars; one submission).

Conditions:
Hajdu-Cheney syndrome (HJCYS). Also called: ACROOSTEOLYSIS WITH OSTEOPOROSIS AND CHANGES IN SKULL AND MANDIBLE; Acroosteolysis dominant type; SERPENTINE FIBULA-POLYCYSTIC KIDNEY SYNDROME. Identifiers: Orphanet 955, MedGen C0917715, MONDO:0007057, OMIM 102500.

Allele frequency attached by ClinVar (database versions not stated): gnomAD exomes below 0.00001.
gnomAD v4.1: 4 of 1,614,016 alleles (0.00025%); highest among the groups gnomAD compares: Non-Finnish European, 0.00034%; no homozygotes.

Submission:

Labcorp Genetics (formerly Invitae), Labcorp
Classification: Uncertain significance for Hajdu-Cheney syndrome. Last evaluated: 2025-06-03. Review status: criteria provided, single submitter. Criteria: Invitae Variant Classification Sherloc (09022015). Collection method: clinical testing. Allele origin: germline.
Comment: This sequence change replaces phenylalanine, which is neutral and non-polar, with leucine, which is neutral and non-polar, at codon 2376 of the NOTCH2 protein (p.Phe2376Leu). This variant is not present in population databases (gnomAD no frequency). This variant has not been reported in the literature in individuals affected with NOTCH2-related conditions. ClinVar contains an entry for this variant (Variation ID: 2138836). Invitae Evidence Modeling of protein sequence and biophysical properties (such as structural, functional, and spatial information, amino acid conservation, physicochemical variation, residue mobility, and thermodynamic stability) indicates that this missense variant is not expected to disrupt NOTCH2 protein function with a negative predictive value of 80%. In summary, the available evidence is currently insufficient to determine the role of this variant in disease. Therefore, it has been classified as a Variant of Uncertain Significance.